The following is an entry in ClinVar:

ClinVar aggregate classification (germline): Uncertain significance (1 of 4 stars; one submission).

Conditions:
Kostmann syndrome (SCN3). Also called: KOSTMANN DISEASE; Autosomal recessive severe congenital neutropenia type 3. Identifiers: Orphanet 99749, MedGen C5235141, MONDO:0012548, OMIM 610738.

Submission:

Labcorp Genetics (formerly Invitae), Labcorp
Classification: Uncertain significance for Kostmann syndrome. Last evaluated: 2022-07-06. Review status: criteria provided, single submitter. Criteria: Invitae Variant Classification Sherloc (09022015). Collection method: clinical testing. Allele origin: germline.
Comment: In summary, the available evidence is currently insufficient to determine the role of this variant in disease. Therefore, it has been classified as a Variant of Uncertain Significance. Algorithms developed to predict the effect of missense changes on protein structure and function output the following: SIFT: "Deleterious"; PolyPhen-2: "Benign"; Align-GVGD: "Class C0". The histidine amino acid residue is found in multiple mammalian species, which suggests that this missense change does not adversely affect protein function. This variant has not been reported in the literature in individuals affected with HAX1-related conditions. This variant is not present in population databases (gnomAD no frequency). This sequence change replaces proline, which is neutral and non-polar, with histidine, which is basic and polar, at codon 138 of the HAX1 protein (p.Pro138His).

NM_006118.4(HAX1):c.413C>A (p.Pro138His)

Gene: HAX1 (HCLS1 associated protein X-1; plus strand). Cytogenetic location: 1q21.3.
Variant type: single nucleotide variant.
Coding change: c.413C>A on transcript NM_006118.4 (MANE Select); coding-DNA position 413, C replaced by A.
Protein change: p.Pro138His; replaces proline 138 with histidine.
Molecular consequence: missense variant.
Genome position (GRCh38, 1-based): chr1:154,273,870, C>A. VCF-style: chr1-154273870-C-A. GRCh37 (hg19) VCF-style: chr1-154246346-C-A.
Other names: c.269C>A, p.Pro90His (NM_001018837.2); short protein forms P90H, P138H.
Identifiers: ClinVar variation 2014409 (VCV002014409.4), dbSNP rs2524934094, ClinGen allele CA342592640.